The following is an entry in ClinVar:

ClinVar aggregate classification (germline): Uncertain significance. Review status: criteria provided, multiple submitters, no conflicts (2 of 4 stars). 2 submissions from 2 submitters: Uncertain significance (2). Last evaluated 2024-06-17.

Conditions:
Age related macular degeneration 4. Identifiers: MedGen C1853147, MONDO:0012540, OMIM 610698.
Hemolytic uremic syndrome, atypical, susceptibility to, 1. Also called: AHUS, SUSCEPTIBILITY TO, 1. Identifiers: Orphanet 2134, Orphanet 90038, MedGen C2749604, MONDO:0009335, OMIM 235400. Disease mechanism: Other.
Factor H deficiency (CFHD). Also called: COMPLEMENT FACTOR H DEFICIENCY; CFH DEFICIENCY. Identifiers: Orphanet 200421, MedGen C0398777, MONDO:0012350, OMIM 609814.
Basal laminar drusen. Also called: DRUSEN OF BRUCH MEMBRANE; DRUSEN, CUTICULAR; DRUSEN, EARLY ADULT-ONSET, GROUPED. Identifiers: Orphanet 75376, MedGen C0730295, MONDO:0007472, OMIM 126700.

Allele frequency attached by ClinVar (database versions not stated): gnomAD exomes below 0.00001.
gnomAD v4.1: 2 of 1,612,968 alleles (0.00012%); highest among the groups gnomAD compares: Non-Finnish European, 0.00017%; no homozygotes.

Submissions (2):

Fulgent Genetics
Classification: Uncertain significance for Basal laminar drusen; Hemolytic uremic syndrome, atypical, susceptibility to, 1; Factor H deficiency; Age related macular degeneration 4. Last evaluated: 2024-06-17. Review status: criteria provided, single submitter. Criteria: ACMG Guidelines, 2015. Collection method: clinical testing. Allele origin: germline.

CeGaT Center for Human Genetics Tuebingen
Classification: Uncertain significance. Last evaluated: 2023-02-01. Review status: criteria provided, single submitter. Criteria: CeGaT Center For Human Genetics Tuebingen Variant Classification Criteria Version 2. Collection method: clinical testing. Allele origin: germline. Affected: yes. Observed: 1 variant allele.
Comment: CFH: PM2, BP4

NM_000186.4(CFH):c.878A>G (p.Gln293Arg)

Gene: CFH (complement factor H; plus strand). Cytogenetic location: 1q31.3.
Variant type: single nucleotide variant.
Coding change: c.878A>G on transcript NM_000186.4 (MANE Select); coding-DNA position 878, A replaced by G.
Protein change: p.Gln293Arg; replaces glutamine 293 with arginine.
Molecular consequence: missense variant.
Genome position (GRCh38, 1-based): chr1:196,685,151, A>G. VCF-style: chr1-196685151-A-G. GRCh37 (hg19) VCF-style: chr1-196654281-A-G.
Other names: c.878A>G, p.Gln293Arg (NM_001014975.3); short protein forms Q293R.
Identifiers: ClinVar variation 2639684 (VCV002639684.25), dbSNP rs1291371710, ClinGen allele CA343978728.